The following is an entry in ClinVar:

ClinVar aggregate classification (germline): Uncertain significance (1 of 4 stars; one submission).

Conditions:
Arrhythmogenic cardiomyopathy with wooly hair and keratoderma. Also called: PALMOPLANTAR KERATODERMA WITH LEFT VENTRICULAR CARDIOMYOPATHY AND WOOLLY HAIR; Carvajal syndrome; Dilated cardiomyopathy with woolly hair and keratoderma; Arrhythmogenic cardiomyopathy with woolly hair and keratoderma. Identifiers: Orphanet 65282, MedGen C1854063, MONDO:0011581, OMIM 605676.
Arrhythmogenic right ventricular dysplasia 8 (ARVD8). Also called: Arrhythmogenic Right Ventricular Dysplasia/Cardiomyopathy 8; ARRHYTHMOGENIC RIGHT VENTRICULAR DYSPLASIA, FAMILIAL, 8; ARRHYTHMOGENIC RIGHT VENTRICULAR CARDIOMYOPATHY 8. Identifiers: MedGen C1843896, MONDO:0011831, OMIM 607450.

Submission:

Labcorp Genetics (formerly Invitae), Labcorp
Classification: Uncertain significance for Arrhythmogenic cardiomyopathy with wooly hair and keratoderma; Arrhythmogenic right ventricular dysplasia 8. Last evaluated: 2025-12-09. Review status: criteria provided, single submitter. Criteria: Invitae Variant Classification Sherloc (09022015). Collection method: clinical testing. Allele origin: germline.
Comment: This sequence change replaces aspartic acid, which is acidic and polar, with glycine, which is neutral and non-polar, at codon 2643 of the DSP protein (p.Asp2643Gly). This variant is not present in population databases (gnomAD no frequency). This variant has not been reported in the literature in individuals affected with DSP-related conditions. An algorithm developed to predict the effect of missense changes on protein structure and function (PolyPhen-2) suggests that this variant is likely to be disruptive. In summary, the available evidence is currently insufficient to determine the role of this variant in disease. Therefore, it has been classified as a Variant of Uncertain Significance.

NM_004415.4(DSP):c.7928A>G (p.Asp2643Gly)

Gene: DSP (desmoplakin; plus strand). Cytogenetic location: 6p24.3.
Variant type: single nucleotide variant.
Coding change: c.7928A>G on transcript NM_004415.4 (MANE Select); coding-DNA position 7928, A replaced by G.
Protein change: p.Asp2643Gly; replaces aspartic acid 2643 with glycine.
Molecular consequence: missense variant.
Genome position (GRCh38, 1-based): chr6:7,585,190, A>G. VCF-style: chr6-7585190-A-G. GRCh37 (hg19) VCF-style: chr6-7585423-A-G.
Other names: c.6131A>G, p.Asp2044Gly (NM_001008844.3); c.6599A>G, p.Asp2200Gly (NM_001319034.2); short protein forms D2200G, D2643G, D2044G.
Identifiers: ClinVar variation 4791497 (VCV004791497.1).
Genomic context (GRCh38, chr6:7,585,190, plus strand): 5'-TTGACACAGAAAACCTGGAGAAAATCTCCATTACAGAAGGTATAGAGCGGGGCATCGTTG[A>G]CAGCATCACGGGTCAGAGGCTTCTGGAGGCTCAGGCCTGCACAGGTGGCATCATCCACCC-3'
Protein context (NP_004406.2, residues 2633-2653): ITEGIERGIV[Asp2643Gly]SITGQRLLEA